The following is an entry in ClinVar:

NM_015884.4(MBTPS2):c.1337A>G (p.Lys446Arg)

Gene: MBTPS2 (membrane bound transcription factor peptidase, site 2; plus strand). Cytogenetic location: Xp22.12.
Variant type: single nucleotide variant.
Coding change: c.1337A>G on transcript NM_015884.4 (MANE Select); coding-DNA position 1337, A replaced by G.
Protein change: p.Lys446Arg; replaces lysine 446 with arginine.
Molecular consequence: missense variant.
Genome position (GRCh38, 1-based): chrX:21,880,972, A>G. VCF-style: chrX-21880972-A-G. GRCh37 (hg19) VCF-style: chrX-21899090-A-G.
Other names: short protein forms K446R.
Identifiers: ClinVar variation 1942233 (VCV001942233.6), dbSNP rs1192475991, ClinGen allele CA412570111.

ClinVar aggregate classification (germline): Conflicting classifications of pathogenicity. Review status: criteria provided, conflicting classifications (1 of 4 stars). 2 submissions from 2 submitters: Uncertain significance (1); Likely benign (1). Last evaluated 2022-11-01.

Allele frequency attached by ClinVar (database versions not stated): gnomAD exomes below 0.00001.

Submissions (2):

Labcorp Genetics (formerly Invitae), Labcorp
Classification: Uncertain significance. Last evaluated: 2022-11-01. Review status: criteria provided, single submitter. Criteria: Invitae Variant Classification Sherloc (09022015). Collection method: clinical testing. Allele origin: germline.
Comment: In summary, the available evidence is currently insufficient to determine the role of this variant in disease. Therefore, it has been classified as a Variant of Uncertain Significance. Algorithms developed to predict the effect of sequence changes on RNA splicing suggest that this variant may disrupt the consensus splice site. Algorithms developed to predict the effect of missense changes on protein structure and function are either unavailable or do not agree on the potential impact of this missense change (SIFT: "Deleterious"; PolyPhen-2: "Benign"; Align-GVGD: "Class C0"). This variant has not been reported in the literature in individuals affected with MBTPS2-related conditions. This variant is present in population databases (no rsID available, gnomAD 0.001%). This sequence change replaces lysine, which is basic and polar, with arginine, which is basic and polar, at codon 446 of the MBTPS2 protein (p.Lys446Arg).

Blueprint Genetics
Classification: Likely benign. Last evaluated: 2021-06-07. Review status: criteria provided, single submitter. Criteria: ACMG Guidelines, 2015. Collection method: clinical testing. Allele origin: germline.